The following is an entry in ClinVar:

NM_014727.3(KMT2B):c.641C>T (p.Ser214Phe)

Gene: KMT2B (lysine methyltransferase 2B; plus strand). Cytogenetic location: 19q13.12.
Variant type: single nucleotide variant.
Coding change: c.641C>T on transcript NM_014727.3 (MANE Select); coding-DNA position 641, C replaced by T.
Protein change: p.Ser214Phe; replaces serine 214 with phenylalanine.
Molecular consequence: missense variant.
Genome position (GRCh38, 1-based): chr19:35,719,988, C>T. VCF-style: chr19-35719988-C-T. GRCh37 (hg19) VCF-style: chr19-36210890-C-T.
Other names: short protein forms S214F.
Identifiers: ClinVar variation 2637784 (VCV002637784.1), dbSNP rs767027293, ClinGen allele CA9384081.

ClinVar aggregate classification (germline): Uncertain significance (1 of 4 stars; one submission).

Allele frequency attached by ClinVar (database versions not stated): gnomAD exomes below 0.00001; ExAC 0.00001.
gnomAD v4.1: 5 of 1,613,210 alleles (0.00031%); highest among the groups gnomAD compares: Middle Eastern, 0.017%; no homozygotes.

Submission:

Women's Health and Genetics/Laboratory Corporation of America, LabCorp
Classification: Uncertain significance. Last evaluated: 2023-10-17. Review status: criteria provided, single submitter. Criteria: LabCorp Variant Classification Summary - May 2015. Collection method: clinical testing. Allele origin: germline.
Comment: Variant summary: KMT2B c.641C>T (p.Ser214Phe) results in a non-conservative amino acid change in the encoded protein sequence. Three of five in-silico tools predict a damaging effect of the variant on protein function. The variant allele was found at a frequency of 4.1e-06 in 245338 control chromosomes. The available data on variant occurrences in the general population are insufficient to allow any conclusion about variant significance. To our knowledge, no occurrence of c.641C>T in individuals affected with Dystonia 28, Childhood-Onset and no experimental evidence demonstrating its impact on protein function have been reported. No submitters have cited clinical-significance assessments for this variant to ClinVar after 2014. Based on the evidence outlined above, the variant was classified as uncertain significance.